The following is an entry in ClinVar:

ClinVar aggregate classification (germline): Uncertain significance. Review status: criteria provided, multiple submitters, no conflicts (2 of 4 stars). 2 submissions from 2 submitters: Uncertain significance (2). Last evaluated 2024-07-14.

Conditions:
Inborn genetic diseases. Identifiers: MedGen C0950123, MeSH D030342.
Congenital myasthenic syndrome 8. Also called: MYASTHENIC SYNDROME, CONGENITAL, DUE TO AGRIN DEFICIENCY; Myasthenic syndrome, congenital, 8, with pre- and postsynaptic defects. Identifiers: Orphanet 590, MedGen C3808739, MONDO:0014052, OMIM 615120.

Allele frequency attached by ClinVar (database versions not stated): ESP Exome Variant Server 0.00008; gnomAD 0.00002; ExAC 0.00001; TOPMed 0.00005.
gnomAD v4.1: 76 of 1,602,578 alleles (0.0047%); highest among the groups gnomAD compares: Non-Finnish European, 0.0065%; no homozygotes.

Submissions (2):

Ambry Genetics
Classification: Uncertain significance for Inborn genetic diseases. Last evaluated: 2024-07-14. Review status: criteria provided, single submitter. Criteria: Ambry Variant Classification Scheme 2023. Collection method: clinical testing. Allele origin: germline.

Labcorp Genetics (formerly Invitae), Labcorp
Classification: Uncertain significance for Congenital myasthenic syndrome 8. Last evaluated: 2019-04-04. Review status: criteria provided, single submitter. Criteria: Invitae Variant Classification Sherloc (09022015). Collection method: clinical testing. Allele origin: germline.
Comment: This sequence change replaces proline with threonine at codon 1718 of the AGRN protein (p.Pro1718Thr). The proline residue is moderately conserved and there is a small physicochemical difference between proline and threonine. This variant is present in population databases (rs375621931, ExAC 0.002%). This variant has not been reported in the literature in individuals with AGRN-related conditions. Algorithms developed to predict the effect of missense changes on protein structure and function are either unavailable or do not agree on the potential impact of this missense change (SIFT: "Tolerated"; PolyPhen-2: "Possibly Damaging"; Align-GVGD: "Class C0"). In summary, the available evidence is currently insufficient to determine the role of this variant in disease. Therefore, it has been classified as a Variant of Uncertain Significance.

NM_198576.4(AGRN):c.5152C>A (p.Pro1718Thr)

Genes: AGRN (agrin; plus strand), LOC129929078 (ATAC-STARR-seq lymphoblastoid silent region 24; plus strand). Cytogenetic location: 1p36.33.
Variant type: single nucleotide variant.
Coding change: c.5152C>A on transcript NM_198576.4 (MANE Select); coding-DNA position 5152, C replaced by A.
Protein change: p.Pro1718Thr; replaces proline 1718 with threonine.
Molecular consequence: missense variant.
Genome position (GRCh38, 1-based): chr1:1,050,736, C>A. VCF-style: chr1-1050736-C-A. GRCh37 (hg19) VCF-style: chr1-986116-C-A.
Other names: c.5152C>A, p.Pro1718Thr (NM_001305275.2); c.4837C>A, p.Pro1613Thr (NM_001364727.2); short protein forms P1613T, P1718T.
Identifiers: ClinVar variation 848530 (VCV000848530.9), dbSNP rs375621931, ClinGen allele CA509898.